The following is an entry in ClinVar:

ClinVar aggregate classification (germline): Uncertain significance (1 of 4 stars; one submission).

Submission:

GeneDx
Classification: Uncertain significance. Last evaluated: 2024-04-08. Review status: criteria provided, single submitter. Criteria: GeneDx Variant Classification Process June 2021. Collection method: clinical testing. Allele origin: germline. Affected: yes.
Comment: Not observed at significant frequency in large population cohorts (gnomAD); In silico analysis supports that this missense variant has a deleterious effect on protein structure/function; Has not been previously published as pathogenic or benign to our knowledge

NM_018897.3(DNAH7):c.4366C>A (p.Pro1456Thr)

Gene: DNAH7 (dynein axonemal heavy chain 7; minus strand). Cytogenetic location: 2q32.3.
Variant type: single nucleotide variant.
Coding change: c.4366C>A on transcript NM_018897.3 (MANE Select); coding-DNA position 4366, C replaced by A.
Protein change: p.Pro1456Thr; replaces proline 1456 with threonine.
Molecular consequence: missense variant.
Genome position (GRCh38, 1-based): chr2:195,900,464, G>T on the plus strand (C>A on the coding strand, the complement: DNAH7 is on the minus strand). VCF-style: chr2-195900464-G-T. GRCh37 (hg19) VCF-style: chr2-196765188-G-T.
Other names: short protein forms P1456T.
Identifiers: ClinVar variation 3372044 (VCV003372044.1).
Genomic context (GRCh38, chr2:195,900,464, plus strand): 5'-GTCGAGCAGTGACAAACCCACAGGAGTATAGGACTATTTCAGCAATCATGGCATAGTCAG[G>T]TACCATCATTGCTACTGTCCGAAAGAGAGCCTATGGGTAGGTAGAAAGTTACTTTTAAAA-3'
Protein context (NP_061720.2, residues 1446-1466): ALFRTVAMMV[Pro1456Thr]DYAMIAEIVL